The following is an entry in ClinVar:

NM_005591.4(MRE11):c.1735G>C (p.Gly579Arg)

Gene: MRE11 (MRE11 double strand break repair nuclease; minus strand). Cytogenetic location: 11q21.
Variant type: single nucleotide variant.
Coding change: c.1735G>C on transcript NM_005591.4 (MANE Select); coding-DNA position 1735, G replaced by C.
Protein change: p.Gly579Arg; replaces glycine 579 with arginine.
Molecular consequence: missense variant.
Genome position (GRCh38, 1-based): chr11:94,447,267, C>G on the plus strand (G>C on the coding strand, the complement: MRE11 is on the minus strand). VCF-style: chr11-94447267-C-G. GRCh37 (hg19) VCF-style: chr11-94180433-C-G.
Other names: c.1735G>C, p.Gly579Arg (NM_001330347.2, NM_005590.4); short protein forms G579R.
Identifiers: ClinVar variation 3224839 (VCV003224839.1), dbSNP rs1403124887, ClinGen allele CA382368195.

ClinVar aggregate classification (germline): Uncertain significance (1 of 4 stars; one submission).

Conditions:
Hereditary cancer-predisposing syndrome. Also called: Tumor predisposition; Hereditary neoplastic syndrome; Hereditary Cancer Syndrome; Neoplastic Syndromes, Hereditary. Identifiers: Orphanet 140162, MedGen C0027672, MeSH D009386, MONDO:0015356.

gnomAD v4.1: 5 of 1,614,034 alleles (0.00031%); highest among the groups gnomAD compares: Non-Finnish European, 0.00034%; no homozygotes.

Submission:

Ambry Genetics
Classification: Uncertain significance for Hereditary cancer-predisposing syndrome. Last evaluated: 2024-01-27. Review status: criteria provided, single submitter. Criteria: Ambry Variant Classification Scheme 2023. Collection method: clinical testing. Allele origin: germline.
Comment: The p.G579R variant (also known as c.1735G>C), located in coding exon 14 of the MRE11A gene, results from a G to C substitution at nucleotide position 1735. The glycine at codon 579 is replaced by arginine, an amino acid with dissimilar properties. This amino acid position is conserved. In addition, the in silico prediction for this alteration is inconclusive. Based on the available evidence, the clinical significance of this alteration remains unclear.